The following is an entry in ClinVar:

ClinVar aggregate classification (germline): Conflicting classifications of pathogenicity. Review status: criteria provided, conflicting classifications (1 of 4 stars). 2 submissions from 2 submitters: Likely pathogenic (1); Uncertain significance (1). Last evaluated 2023-11-28.

Conditions:
Catecholaminergic polymorphic ventricular tachycardia 1. Also called: VENTRICULAR TACHYCARDIA, STRESS-INDUCED POLYMORPHIC 1; VENTRICULAR TACHYCARDIA, CATECHOLAMINERGIC POLYMORPHIC, 1, WITH OR WITHOUT ATRIAL DYSFUNCTION AND/OR DILATED CARDIOMYOPATHY; RYR2-Related Catecholaminergic Polymorphic Ventricular Tachycardia. Identifiers: Orphanet 3286, MedGen C1631597, MONDO:0011484, OMIM 604772.

Submissions (2):

Institute of Human Genetics Munich, TUM University Hospital
Classification: Likely pathogenic for Catecholaminergic polymorphic ventricular tachycardia 1. Last evaluated: 2023-11-28. Review status: criteria provided, single submitter. Criteria: Classification criteria August 2017. Collection method: clinical testing. Allele origin: germline. Inheritance: Autosomal dominant inheritance. Affected: yes. Observed: 1 variant allele.

Labcorp Genetics (formerly Invitae), Labcorp
Classification: Uncertain significance for Catecholaminergic polymorphic ventricular tachycardia 1. Last evaluated: 2017-07-15. Review status: criteria provided, single submitter. Criteria: Invitae Variant Classification Sherloc (09022015). Collection method: clinical testing. Allele origin: germline.
Comment: In summary, the available evidence is currently insufficient to determine the role of this variant in disease. Therefore, it has been classified as a Variant of Uncertain Significance. This variant occurs within one of the three regions of the RYR2 gene (N-terminal domain, central domain, or channel region) where other pathogenic variants have been reported to cluster (PMID: 19926015). Algorithms developed to predict the effect of missense changes on protein structure and function do not agree on the potential impact of this missense change (SIFT: "Deleterious"; PolyPhen-2: "Probably Damaging"; Align-GVGD: "Class C15"). This sequence change replaces aspartic acid with asparagine at codon 4001 of the RYR2 protein (p.Asp4001Asn). The aspartic acid residue is highly conserved and there is a small physicochemical difference between aspartic acid and asparagine. This variant is not present in population databases (ExAC no frequency). This variant has not been reported in the literature in individuals with RYR2-related disease.

Literature cited by the submitters: PubMed 19926015 (cited by Labcorp Genetics (formerly Invitae), Labcorp).

NM_001035.3(RYR2):c.12001G>A (p.Asp4001Asn)

Gene: RYR2 (ryanodine receptor 2; plus strand). Cytogenetic location: 1q43.
Variant type: single nucleotide variant.
Coding change: c.12001G>A on transcript NM_001035.3 (MANE Select); coding-DNA position 12001, G replaced by A.
Protein change: p.Asp4001Asn; replaces aspartic acid 4001 with asparagine.
Molecular consequence: missense variant.
Genome position (GRCh38, 1-based): chr1:237,783,713, G>A. VCF-style: chr1-237783713-G-A. GRCh37 (hg19) VCF-style: chr1-237947013-G-A.
Other names: c.12001G>A, p.Asp4001Asn (LRG_402t1); short protein forms D4001N.
Identifiers: ClinVar variation 463551 (VCV000463551.15), dbSNP rs1553322501, ClinGen allele CA345411860.
Genomic context (GRCh38, chr1:237,783,713, plus strand): 5'-AATGCAACTGCTTTACCACCAGGTAATGTTGTTAATGGAACGATTGGCAAACAGATGGTG[G>A]ATATGCTTGTGGAATCTTCCAACAACGTGGAGATGATTCTCAAATTTTTTGACATGTTCT-3'
Protein context (NP_001026.2, residues 3991-4011): VNGTIGKQMV[Asp4001Asn]MLVESSNNVE